The following is an entry in ClinVar:

NM_005097.4(LGI1):c.431+213C>T

Gene: LGI1 (leucine rich glioma inactivated 1; plus strand). Cytogenetic location: 10q23.33.
Variant type: single nucleotide variant.
Coding change: c.431+213C>T on transcript NM_005097.4 (MANE Select); 213 bases into the intron after coding-DNA position 431, C replaced by T.
Molecular consequence: intron variant.
Genome position (GRCh38, 1-based): chr10:93,777,830, C>T. VCF-style: chr10-93777830-C-T. GRCh37 (hg19) VCF-style: chr10-95537587-C-T.
Other names: c.431+213C>T (NM_001308275.2); c.288-12269C>T (NM_001308276.2).
Identifiers: ClinVar variation 683030 (VCV000683030.1), dbSNP rs9651410, ClinGen allele CA211575764.

ClinVar aggregate classification (germline): Benign (1 of 4 stars; one submission).

Allele frequency attached by ClinVar (database versions not stated): 1000 Genomes Project 30x 0.97954; 1000 Genomes Project 0.98083; TOPMed 0.98242; gnomAD 0.98335 and 0.98443.
gnomAD v4.1: 149,984 of 152,338 alleles (98%); highest among the groups gnomAD compares: East Asian, 100%; 73,867 homozygotes.

Submission:

GeneDx
Classification: Benign. Last evaluated: 2018-06-14. Review status: criteria provided, single submitter. Criteria: GeneDx Variant Classification (06012015). Collection method: clinical testing. Allele origin: germline. Affected: yes.
Comment: This variant is considered likely benign or benign based on one or more of the following criteria: it is a conservative change, it occurs at a poorly conserved position in the protein, it is predicted to be benign by multiple in silico algorithms, and/or has population frequency not consistent with disease.